The following is an entry in ClinVar:

ClinVar aggregate classification (germline): Uncertain significance. Review status: criteria provided, multiple submitters, no conflicts (2 of 4 stars). 2 submissions from 2 submitters: Uncertain significance (2). Last evaluated 2024-11-23.

Conditions:
Cardiovascular phenotype. Identifiers: MedGen CN230736.
Arrhythmogenic cardiomyopathy with wooly hair and keratoderma. Also called: Carvajal syndrome; PALMOPLANTAR KERATODERMA WITH LEFT VENTRICULAR CARDIOMYOPATHY AND WOOLLY HAIR; Dilated cardiomyopathy with woolly hair and keratoderma; Arrhythmogenic cardiomyopathy with woolly hair and keratoderma. Identifiers: Orphanet 65282, MedGen C1854063, MONDO:0011581, OMIM 605676.

gnomAD v4.1: 4 of 1,614,042 alleles (0.00025%); highest among the groups gnomAD compares: Non-Finnish European, 0.00025%; no homozygotes.

Submissions (2):

Ambry Genetics
Classification: Uncertain significance for Cardiovascular phenotype. Last evaluated: 2024-11-23. Review status: criteria provided, single submitter. Criteria: Ambry Variant Classification Scheme 2023. Collection method: clinical testing. Allele origin: germline.
Comment: The p.C1148Y variant (also known as c.3443G>A), located in coding exon 23 of the DSP gene, results from a G to A substitution at nucleotide position 3443. The cysteine at codon 1148 is replaced by tyrosine, an amino acid with highly dissimilar properties. This amino acid position is conserved. In addition, this alteration is predicted to be tolerated by in silico analysis. Based on the available evidence, the clinical significance of this variant remains unclear.

All of Us Research Program, National Institutes of Health
Classification: Uncertain significance for Arrhythmogenic cardiomyopathy with wooly hair and keratoderma. Last evaluated: 2024-05-30. Review status: criteria provided, single submitter. Criteria: ACMG Guidelines, 2015. Collection method: clinical testing. Allele origin: germline. Inheritance: Autosomal dominant inheritance. Observed: 1 variant allele, 1 heterozygote.
Comment: This missense variant replaces cysteine with tyrosine at codon 1148 of the DSP protein. Computational prediction suggests that this variant may not impact protein structure and function (internally defined REVEL score threshold <= 0.5, PMID: 27666373). To our knowledge, functional studies have not been reported for this variant. This variant has not been reported in individuals affected with DSP-related disorders in the literature. This variant has not been identified in the general population by the Genome Aggregation Database (gnomAD). The available evidence is insufficient to determine the role of this variant in disease conclusively. Therefore, this variant is classified as a Variant of Uncertain Significance.

This study involves interpretation of variants in research participants for the purpose of population health screening. Participant phenotype was not available at the time of variant classification. Additional details can be found in publication PMID: 35346344, PMCID: PMC8962531

NM_004415.4(DSP):c.3443G>A (p.Cys1148Tyr)

Gene: DSP (desmoplakin; plus strand). Cytogenetic location: 6p24.3.
Variant type: single nucleotide variant.
Coding change: c.3443G>A on transcript NM_004415.4 (MANE Select); coding-DNA position 3443, G replaced by A.
Protein change: p.Cys1148Tyr; replaces cysteine 1148 with tyrosine.
Molecular consequence: missense variant.
Genome position (GRCh38, 1-based): chr6:7,579,633, G>A. VCF-style: chr6-7579633-G-A. GRCh37 (hg19) VCF-style: chr6-7579866-G-A.
Other names: c.3443G>A, p.Cys1148Tyr (NM_001008844.3, NM_001319034.2); short protein forms C1148Y.
Identifiers: ClinVar variation 3386663 (VCV003386663.2).